The following is an entry in ClinVar:

NM_002180.3(IGHMBP2):c.1351T>C (p.Trp451Arg)

Gene: IGHMBP2 (immunoglobulin mu DNA binding protein 2; plus strand). Cytogenetic location: 11q13.3.
Variant type: single nucleotide variant.
Coding change: c.1351T>C on transcript NM_002180.3 (MANE Select); coding-DNA position 1351, T replaced by C.
Protein change: p.Trp451Arg; replaces tryptophan 451 with arginine.
Molecular consequence: missense variant.
Genome position (GRCh38, 1-based): chr11:68,933,414, T>C. VCF-style: chr11-68933414-T-C. GRCh37 (hg19) VCF-style: chr11-68700882-T-C.
Other names: short protein forms W451R.
Identifiers: ClinVar variation 3753291 (VCV003753291.2).

ClinVar aggregate classification (germline): Likely pathogenic (1 of 4 stars; one submission).

Conditions:
Charcot-Marie-Tooth disease axonal type 2S. Also called: CHARCOT-MARIE-TOOTH DISEASE, AXONAL, AUTOSOMAL RECESSIVE, TYPE 2S; CHARCOT-MARIE-TOOTH NEUROPATHY, TYPE 2S. Identifiers: Orphanet 443073, MedGen C4015349, MONDO:0014511, OMIM 616155.
Autosomal recessive distal spinal muscular atrophy 1. Also called: HMN VI; NEURONOPATHY, SEVERE INFANTILE AXONAL, WITH RESPIRATORY FAILURE; SEVERE INFANTILE AXONAL NEUROPATHY WITH RESPIRATORY FAILURE; SPINAL MUSCULAR ATROPHY, DIAPHRAGMATIC; Spinal muscular atrophy with respiratory distress 1; NEURONOPATHY, DISTAL HEREDITARY MOTOR, HARDING TYPE VI. Identifiers: Orphanet 98920, MedGen C1858517, MONDO:0011436, OMIM 604320.

Submission:

Labcorp Genetics (formerly Invitae), Labcorp
Classification: Likely pathogenic for Autosomal recessive distal spinal muscular atrophy 1; Charcot-Marie-Tooth disease axonal type 2S. Last evaluated: 2024-08-05. Review status: criteria provided, single submitter. Criteria: Invitae Variant Classification Sherloc (09022015). Collection method: clinical testing. Allele origin: germline.
Comment: This sequence change replaces tryptophan, which is neutral and slightly polar, with arginine, which is basic and polar, at codon 451 of the IGHMBP2 protein (p.Trp451Arg). This variant is not present in population databases (gnomAD no frequency). This missense change has been observed in individual(s) with clinical features of IGHMBP2-related conditions (Invitae). In at least one individual the data is consistent with being in trans (on the opposite chromosome) from a pathogenic variant. Advanced modeling of protein sequence and biophysical properties (such as structural, functional, and spatial information, amino acid conservation, physicochemical variation, residue mobility, and thermodynamic stability) performed at Invitae indicates that this missense variant is expected to disrupt IGHMBP2 protein function with a positive predictive value of 95%. In summary, the currently available evidence indicates that the variant is pathogenic, but additional data are needed to prove that conclusively. Therefore, this variant has been classified as Likely Pathogenic.